The following is an entry in ClinVar:

NM_002458.3(MUC5B):c.15515G>A (p.Ser5172Asn)

Gene: MUC5B (mucin 5B, oligomeric mucus/gel-forming; plus strand). Cytogenetic location: 11p15.5.
Variant type: single nucleotide variant.
Coding change: c.15515G>A on transcript NM_002458.3 (MANE Select); coding-DNA position 15515, G replaced by A.
Protein change: p.Ser5172Asn; replaces serine 5172 with asparagine.
Molecular consequence: missense variant.
Genome position (GRCh38, 1-based): chr11:1,254,731, G>A. VCF-style: chr11-1254731-G-A. GRCh37 (hg19) VCF-style: chr11-1275961-G-A.
Other names: short protein forms S5172N.
Identifiers: ClinVar variation 4056630 (VCV004056630.1).

ClinVar aggregate classification (germline): Uncertain significance (1 of 4 stars; one submission).

Conditions:
Interstitial lung disease 2 (ILD2). Also called: FIBROCYSTIC PULMONARY DYSPLASIA; FIBROSING ALVEOLITIS, CRYPTOGENIC; Familial idiopathic pulmonary fibrosis. Identifiers: Orphanet 2032, Orphanet 79126, MedGen C5561926, MONDO:0800497, OMIM 178500, MONDO:0800029.

gnomAD v4.1: 2 of 1,612,880 alleles (0.00012%); highest among the groups gnomAD compares: Middle Eastern, 0.017%; no homozygotes.

Submission:

Laboratorio de Genetica e Diagnostico Molecular, Hospital Israelita Albert Einstein
Classification: Uncertain significance for Interstitial lung disease 2. Last evaluated: 2024-01-07. Review status: criteria provided, single submitter. Criteria: ACMG Guidelines, 2015. Collection method: clinical testing. Allele origin: germline. Affected: yes.
Comment: ACMG classification criteria: PM2 supporting, BP4 supporting